The following is an entry in ClinVar:

NM_015271.5(TRIM2):c.1831G>A (p.Asp611Asn)

Gene: TRIM2 (tripartite motif containing 2; plus strand). Cytogenetic location: 4q31.3.
Variant type: single nucleotide variant.
Coding change: c.1831G>A on transcript NM_015271.5 (MANE Select); coding-DNA position 1831, G replaced by A.
Protein change: p.Asp611Asn; replaces aspartic acid 611 with asparagine.
Molecular consequence: missense variant.
Genome position (GRCh38, 1-based): chr4:153,322,696, G>A. VCF-style: chr4-153322696-G-A. GRCh37 (hg19) VCF-style: chr4-154243848-G-A.
Other names: c.1750G>A, p.Asp584Asn (NM_001130067.2, NM_001351056.2, NM_001375512.1 and 5 more transcripts); c.1804G>A, p.Asp602Asn (NM_001351054.2); c.1801G>A, p.Asp601Asn (NM_001351055.2); c.1375G>A, p.Asp459Asn (NM_001351057.2); c.1924G>A, p.Asp642Asn (NM_001375488.1); c.1921G>A, p.Asp641Asn (NM_001375489.1); c.1774G>A, p.Asp592Asn (NM_001375490.1); c.1771G>A, p.Asp591Asn (NM_001375491.1); and 4 more; short protein forms D499N, D584N, D592N, D641N, D591N, D601N, D602N, D611N.
Identifiers: ClinVar variation 1428802 (VCV001428802.9), dbSNP rs371608836, ClinGen allele CA358469252.

ClinVar aggregate classification (germline): Uncertain significance. Review status: criteria provided, multiple submitters, no conflicts (2 of 4 stars). 2 submissions from 2 submitters: Uncertain significance (2). Last evaluated 2022-02-10.

Conditions:
Charcot-Marie-Tooth disease type 2R. Also called: CHARCOT-MARIE-TOOTH DISEASE, AXONAL, AUTOSOMAL RECESSIVE, TYPE 2R; CHARCOT-MARIE-TOOTH NEUROPATHY, TYPE 2R; Charcot-Marie-Tooth disease, axonal, type 2R. Identifiers: Orphanet 397968, MedGen C3809655, MONDO:0014208, OMIM 615490.

Allele frequency attached by ClinVar (database versions not stated): gnomAD exomes below 0.00001; gnomAD 0.00001.
gnomAD v4.1: 2 of 1,614,024 alleles (0.00012%); highest among the groups gnomAD compares: Non-Finnish European, 0.00017%; no homozygotes.

Submissions (2):

Ambry Genetics
Classification: Uncertain significance. Last evaluated: 2022-02-10. Review status: criteria provided, single submitter. Criteria: Ambry Variant Classification Scheme 2023. Collection method: clinical testing. Allele origin: germline.

Labcorp Genetics (formerly Invitae), Labcorp
Classification: Uncertain significance for Charcot-Marie-Tooth disease type 2R. Last evaluated: 2021-06-10. Review status: criteria provided, single submitter. Criteria: Invitae Variant Classification Sherloc (09022015). Collection method: clinical testing. Allele origin: germline.
Comment: In summary, the available evidence is currently insufficient to determine the role of this variant in disease. Therefore, it has been classified as a Variant of Uncertain Significance. Algorithms developed to predict the effect of missense changes on protein structure and function are either unavailable or do not agree on the potential impact of this missense change (SIFT: "Deleterious"; PolyPhen-2: "Probably Damaging"; Align-GVGD: "Class C0"). This variant has not been reported in the literature in individuals with TRIM2-related conditions. This variant is not present in population databases (ExAC no frequency). This sequence change replaces aspartic acid with asparagine at codon 584 of the TRIM2 protein (p.Asp584Asn). The aspartic acid residue is highly conserved and there is a small physicochemical difference between aspartic acid and asparagine.